The following is an entry in ClinVar:

NM_001244926.2(PRPF4):c.8C>T (p.Ser3Phe)

Gene: PRPF4 (pre-mRNA splicing tri-snRNP complex factor PRPF4; plus strand). Cytogenetic location: 9q32.
Variant type: single nucleotide variant.
Coding change: c.8C>T on transcript NM_001244926.2 (MANE Select); coding-DNA position 8, C replaced by T.
Protein change: p.Ser3Phe; replaces serine 3 with phenylalanine.
Molecular consequence: missense variant. On other transcripts: 5 prime UTR variant (2), non-coding transcript variant (2).
Genome position (GRCh38, 1-based): chr9:113,275,751, C>T. VCF-style: chr9-113275751-C-T. GRCh37 (hg19) VCF-style: chr9-116038031-C-T.
Other names: c.-758C>T (NM_001322266.2); c.-761C>T (NM_001322267.2); c.8C>T, p.Ser3Phe (NM_004697.5); short protein forms S3F.
Identifiers: ClinVar variation 933299 (VCV000933299.11), dbSNP rs200111116, ClinGen allele CA5194750.

ClinVar aggregate classification (germline): Conflicting classifications of pathogenicity. Review status: criteria provided, conflicting classifications (1 of 4 stars). 4 submissions from 4 submitters: Uncertain significance (3); Likely benign (1). Last evaluated 2026-01-05.

Allele frequency attached by ClinVar (database versions not stated): ExAC 0.00004; gnomAD exomes 0.00004 and 0.00016; TOPMed 0.00008; gnomAD 0.00009 and 0.00011.
gnomAD v4.1: 252 of 1,612,178 alleles (0.016%); highest among the groups gnomAD compares: Non-Finnish European, 0.02%; no homozygotes.

Submissions (4):

Labcorp Genetics (formerly Invitae), Labcorp
Classification: Uncertain significance. Last evaluated: 2026-01-05. Review status: criteria provided, single submitter. Criteria: Invitae Variant Classification Sherloc (09022015). Collection method: clinical testing. Allele origin: germline.
Comment: This sequence change replaces serine, which is neutral and polar, with phenylalanine, which is neutral and non-polar, at codon 3 of the PRPF4 protein (p.Ser3Phe). This variant is present in population databases (rs200111116, gnomAD 0.008%). This missense change has been observed in individuals with clinical features of retinitis pigmentosa (internal data). ClinVar contains an entry for this variant (Variation ID: 933299). An algorithm developed to predict the effect of missense changes on protein structure and function (PolyPhen-2) suggests that this variant is likely to be tolerated. In summary, the available evidence is currently insufficient to determine the role of this variant in disease. Therefore, it has been classified as a Variant of Uncertain Significance.

Ambry Genetics
Classification: Uncertain significance. Last evaluated: 2024-07-23. Review status: criteria provided, single submitter. Criteria: Ambry Variant Classification Scheme 2023. Collection method: clinical testing. Allele origin: germline.

Blueprint Genetics
Classification: Likely benign. Last evaluated: 2024-07-11. Review status: criteria provided, single submitter. Criteria: ACMG Guidelines, 2015. Collection method: clinical testing. Allele origin: germline.

GeneDx
Classification: Uncertain significance. Last evaluated: 2019-11-06. Review status: criteria provided, single submitter. Criteria: GeneDx Variant Classification Process June 2021. Collection method: clinical testing. Allele origin: germline. Affected: yes.
Comment: In silico analysis, which includes protein predictors and evolutionary conservation, supports that this variant does not alter protein structure/function; Has not been previously published as pathogenic or benign to our knowledge